The following is an entry in ClinVar:

ClinVar aggregate classification (germline): Uncertain significance. Review status: criteria provided, multiple submitters, no conflicts (2 of 4 stars). 2 submissions from 2 submitters: Uncertain significance (2). Last evaluated 2025-08-21.

Allele frequency attached by ClinVar (database versions not stated): TOPMed 0.00002; gnomAD 0.00003; ExAC 0.00011; 1000 Genomes Project 0.00040; 1000 Genomes Project 30x 0.00047.
gnomAD v4.1: 11 of 1,573,392 alleles (0.0007%); highest among the groups gnomAD compares: Admixed American, 0.018%; no homozygotes.

Submissions (2):

Ambry Genetics
Classification: Uncertain significance. Last evaluated: 2025-08-21. Review status: criteria provided, single submitter. Criteria: Ambry Variant Classification Scheme 2023. Collection method: clinical testing. Allele origin: germline.

Labcorp Genetics (formerly Invitae), Labcorp
Classification: Uncertain significance. Last evaluated: 2022-01-01. Review status: criteria provided, single submitter. Criteria: Invitae Variant Classification Sherloc (09022015). Collection method: clinical testing. Allele origin: germline.
Comment: This variant has not been reported in the literature in individuals affected with PLEKHM2-related conditions. In summary, the available evidence is currently insufficient to determine the role of this variant in disease. Therefore, it has been classified as a Variant of Uncertain Significance. Algorithms developed to predict the effect of missense changes on protein structure and function (SIFT, PolyPhen-2, Align-GVGD) all suggest that this variant is likely to be tolerated. The frequency data for this variant in the population databases is considered unreliable, as metrics indicate poor data quality at this position in the gnomAD database. This sequence change replaces aspartic acid, which is acidic and polar, with asparagine, which is neutral and polar, at codon 305 of the PLEKHM2 protein (p.Asp305Asn).

NM_015164.4(PLEKHM2):c.913G>A (p.Asp305Asn)

Gene: PLEKHM2 (pleckstrin homology and RUN domain containing M2; plus strand). Cytogenetic location: 1p36.21.
Variant type: single nucleotide variant.
Coding change: c.913G>A on transcript NM_015164.4 (MANE Select); coding-DNA position 913, G replaced by A.
Protein change: p.Asp305Asn; replaces aspartic acid 305 with asparagine.
Molecular consequence: missense variant.
Genome position (GRCh38, 1-based): chr1:15,725,517, G>A. VCF-style: chr1-15725517-G-A. GRCh37 (hg19) VCF-style: chr1-16052012-G-A.
Other names: c.853G>A, p.Asp285Asn (NM_001410755.1); c.913G>A (NM_015164.2); short protein forms D285N, D305N.
Identifiers: ClinVar variation 2147967 (VCV002147967.5), dbSNP rs199588266, ClinGen allele CA616799.